The following is an entry in ClinVar:

NM_001430.5(EPAS1):c.1994C>T (p.Ala665Val)

Gene: EPAS1 (endothelial PAS domain protein 1; plus strand). Cytogenetic location: 2p21.
Variant type: single nucleotide variant.
Coding change: c.1994C>T on transcript NM_001430.5 (MANE Select); coding-DNA position 1994, C replaced by T.
Protein change: p.Ala665Val; replaces alanine 665 with valine.
Molecular consequence: missense variant.
Genome position (GRCh38, 1-based): chr2:46,380,666, C>T. VCF-style: chr2-46380666-C-T. GRCh37 (hg19) VCF-style: chr2-46607805-C-T.
Other names: short protein forms A665V.
Identifiers: ClinVar variation 2456488 (VCV002456488.2), dbSNP rs749922403, ClinGen allele CA1645165.
Genomic context (GRCh38, chr2:46,380,666, plus strand): 5'-TACATTTTGGGCCCACAAAGTGGGCCGTCGGGGATCAGCGCACAGAGTTCTTGGGAGCAG[C>T]GCCGTTGGGGCCCCCTGTCTCTCCACCCCATGTCTCCACCTTCAAGACAAGGTAAGTGGC-3'
Protein context (NP_001421.2, residues 655-675): GDQRTEFLGA[Ala665Val]PLGPPVSPPH

ClinVar aggregate classification (germline): Uncertain significance (1 of 4 stars; one submission).

Conditions:
Inborn genetic diseases. Identifiers: MedGen C0950123, MeSH D030342.

Allele frequency attached by ClinVar (database versions not stated): gnomAD 0.00001; gnomAD exomes 0.00001; ExAC 0.00002.
gnomAD v4.1: 18 of 1,613,910 alleles (0.0011%); highest among the groups gnomAD compares: South Asian, 0.0088%; no homozygotes.

Submission:

Ambry Genetics
Classification: Uncertain significance for Inborn genetic diseases. Last evaluated: 2022-11-18. Review status: criteria provided, single submitter. Criteria: Ambry Variant Classification Scheme 2023. Collection method: clinical testing. Allele origin: germline.
Comment: The p.A665V variant (also known as c.1994C>T), located in coding exon 12 of the EPAS1 gene, results from a C to T substitution at nucleotide position 1994. The alanine at codon 665 is replaced by valine, an amino acid with similar properties. This amino acid position is conserved. In addition, this alteration is predicted to be tolerated by in silico analysis. Since supporting evidence is limited at this time, the clinical significance of this alteration remains unclear.